The following is an entry in ClinVar:

NM_002474.3(MYH11):c.4377G>A (p.Glu1459=)

Genes: MYH11 (myosin heavy chain 11; minus strand), NDE1 (nudE neurodevelopment protein 1; plus strand). Cytogenetic location: 16p13.11.
Variant type: single nucleotide variant.
Coding change: c.4377G>A on transcript NM_002474.3 (MANE Select); coding-DNA position 4377, G replaced by A.
Protein change: p.Glu1459=; no amino-acid change (glutamic acid 1459 retained).
Molecular consequence: synonymous variant. On other transcripts: intron variant (2).
Genome position (GRCh38, 1-based): chr16:15,721,623, C>T on the plus strand (G>A on the coding strand, the complement: MYH11 is on the minus strand). VCF-style: chr16-15721623-C-T. GRCh37 (hg19) VCF-style: chr16-15815480-C-T.
Other names: c.4398G>A, p.Glu1466= (NM_001040113.2, NM_001040114.2); c.4377G>A, p.Glu1459= (NM_022844.3); c.948-2568C>T (NM_001143979.2, NM_017668.3).
Identifiers: ClinVar variation 1560876 (VCV001560876.9), dbSNP rs2040489515, ClinGen allele CA494087951.

ClinVar aggregate classification (germline): Likely benign. Review status: criteria provided, multiple submitters, no conflicts (2 of 4 stars). 2 submissions from 2 submitters: Likely benign (2). Last evaluated 2022-11-30.

Conditions:
Familial thoracic aortic aneurysm and aortic dissection (TAAD). Also called: Thoracic aortic aneurysms and dissections. Identifiers: Orphanet 91387, MedGen C4707243, MONDO:0019625.
Aortic aneurysm, familial thoracic 4 (AAT4). Also called: AORTIC ANEURYSM/AORTIC DISSECTION AND PATENT DUCTUS ARTERIOSUS. Identifiers: MedGen C1851504, MONDO:0007568, OMIM 132900.

Allele frequency attached by ClinVar (database versions not stated): gnomAD 0.00001; gnomAD exomes 0.00001.
gnomAD v4.1: 13 of 1,614,026 alleles (0.00081%); highest among the groups gnomAD compares: Non-Finnish European, 0.0011%; no homozygotes.

Submissions (2):

All of Us Research Program, National Institutes of Health
Classification: Likely benign for Familial thoracic aortic aneurysm and aortic dissection. Last evaluated: 2022-11-30. Review status: criteria provided, single submitter. Criteria: ACMG Guidelines, 2015. Collection method: clinical testing. Allele origin: germline. Inheritance: Autosomal dominant inheritance. Observed: 1 variant allele, 1 heterozygote.
Comment: This study involves interpretation of variants in research participants for the purpose of population health screening. Participant phenotype was not available at the time of variant classification. Additional details can be found in publication PMID: 35346344, PMCID: PMC8962531

Labcorp Genetics (formerly Invitae), Labcorp
Classification: Likely benign for Aortic aneurysm, familial thoracic 4. Last evaluated: 2021-03-24. Review status: criteria provided, single submitter. Criteria: Invitae Variant Classification Sherloc (09022015). Collection method: clinical testing. Allele origin: germline.